The following is an entry in ClinVar:

ClinVar aggregate classification (germline): Likely pathogenic. Review status: criteria provided, multiple submitters, no conflicts (2 of 4 stars). 3 submissions from 3 submitters: Likely pathogenic (2). 1 of the submissions does not count toward it. Last evaluated 2022-08-12.

Conditions:
Primary hyperoxaluria type 3. Also called: PH III. Identifiers: Orphanet 416, Orphanet 93600, MedGen C3150878, MONDO:0013327, OMIM 613616. Disease mechanism: loss of function.

Allele frequency attached by ClinVar (database versions not stated): gnomAD 0.00001; TOPMed 0.00001.
gnomAD v4.1: 5 of 1,612,554 alleles (0.00031%); highest among the groups gnomAD compares: African/African-American, 0.0027%; no homozygotes.

Submissions (3):

Labcorp Genetics (formerly Invitae), Labcorp
Classification: Likely pathogenic. Last evaluated: 2022-08-12. Review status: criteria provided, single submitter. Criteria: Invitae Variant Classification Sherloc (09022015). Collection method: clinical testing. Allele origin: germline.
Comment: In summary, the currently available evidence indicates that the variant is pathogenic, but additional data are needed to prove that conclusively. Therefore, this variant has been classified as Likely Pathogenic. This sequence change affects a donor splice site in intron 5 of the HOGA1 gene. It is expected to disrupt RNA splicing. Variants that disrupt the donor or acceptor splice site typically lead to a loss of protein function (PMID: 16199547), and loss-of-function variants in HOGA1 are known to be pathogenic (PMID: 22391140, 22781098). This variant is present in population databases (no rsID available, gnomAD 0.0009%). This variant has not been reported in the literature in individuals affected with HOGA1-related conditions. ClinVar contains an entry for this variant (Variation ID: 554760). Algorithms developed to predict the effect of sequence changes on RNA splicing suggest that this variant may disrupt the consensus splice site.

Fulgent Genetics
Classification: Likely pathogenic for Primary hyperoxaluria type 3. Last evaluated: 2021-08-26. Review status: criteria provided, single submitter. Criteria: ACMG Guidelines, 2015. Collection method: clinical testing. Allele origin: unknown.

Counsyl
Classification: Likely pathogenic for Primary hyperoxaluria type 3. Last evaluated: 2017-11-02. Review status: no assertion criteria provided. Collection method: clinical testing. Allele origin: unknown. Not counted in ClinVar's aggregate classification.

Literature cited by the submitters: PubMed 16199547 (cited by Labcorp Genetics (formerly Invitae), Labcorp); PubMed 22391140 (cited by Labcorp Genetics (formerly Invitae), Labcorp); PubMed 22781098 (cited by Labcorp Genetics (formerly Invitae), Labcorp).

NM_138413.4(HOGA1):c.700+2T>G

Gene: HOGA1 (4-hydroxy-2-oxoglutarate aldolase 1; plus strand). Cytogenetic location: 10q24.2.
Variant type: single nucleotide variant.
Coding change: c.700+2T>G on transcript NM_138413.4 (MANE Select); the canonical splice donor site of the intron after coding-DNA position 700, T replaced by G.
Molecular consequence: splice donor variant. On other transcripts: intron variant (1).
Genome position (GRCh38, 1-based): chr10:97,600,165, T>G. VCF-style: chr10-97600165-T-G. GRCh37 (hg19) VCF-style: chr10-99359922-T-G.
Other names: c.212-1692T>G (NM_001134670.2).
Identifiers: ClinVar variation 554760 (VCV000554760.12), dbSNP rs990830655, ClinGen allele CA212673549.